The following is an entry in ClinVar:

NM_138477.4(CDAN1):c.3604G>A (p.Glu1202Lys)

Gene: CDAN1 (codanin 1; minus strand). Cytogenetic location: 15q15.2.
Variant type: single nucleotide variant.
Coding change: c.3604G>A on transcript NM_138477.4 (MANE Select); coding-DNA position 3604, G replaced by A.
Protein change: p.Glu1202Lys; replaces glutamic acid 1202 with lysine.
Molecular consequence: missense variant.
Genome position (GRCh38, 1-based): chr15:42,724,571, C>T on the plus strand (G>A on the coding strand, the complement: CDAN1 is on the minus strand). VCF-style: chr15-42724571-C-T. GRCh37 (hg19) VCF-style: chr15-43016769-C-T.
Other names: c.3604G>A (NM_138477.2); short protein forms E1202K.
Identifiers: ClinVar variation 2688740 (VCV002688740.5), dbSNP rs368759902, ClinGen allele CA7515077.
Genomic context (GRCh38, chr15:42,724,571, plus strand): 5'-TGCCCCGGTTTGGCTGCACCAACTCACAGGCTCTTAGCTGGGGTTCTGGCAGGTGGGGCT[C>T]GGCTAGAAACAGATTAGACAGTGTTGCTAATTCTTCAGCAAAGTCCTGGAATACATAGAA-3'
Protein context (NP_612486.2, residues 1192-1212): LATLSNLFLA[Glu1202Lys]PHLPEPQLRA

ClinVar aggregate classification (germline): Uncertain significance. Review status: criteria provided, multiple submitters, no conflicts (2 of 4 stars). 3 submissions from 3 submitters: Uncertain significance (3). Last evaluated 2025-03-30.

Conditions:
Anemia, congenital dyserythropoietic, type 1a (CDAN1A). Also called: DYSERYTHROPOIETIC ANEMIA, CONGENITAL, TYPE Ia; CDAN1-Related Congenital Dyserythropoietic Anemia. Identifiers: MedGen C5574667, MONDO:0009135, OMIM 224120.
Inborn genetic diseases. Identifiers: MedGen C0950123, MeSH D030342.

Allele frequency attached by ClinVar (database versions not stated): gnomAD 0.00001; gnomAD exomes 0.00002; TOPMed 0.00005; ExAC 0.00008; ESP Exome Variant Server 0.00016.
gnomAD v4.1: 35 of 1,553,332 alleles (0.0023%); highest among the groups gnomAD compares: Middle Eastern, 0.017%; no homozygotes.

Submissions (3):

Ambry Genetics
Classification: Uncertain significance for Inborn genetic diseases. Last evaluated: 2025-03-30. Review status: criteria provided, single submitter. Criteria: Ambry Variant Classification Scheme 2023. Collection method: clinical testing. Allele origin: germline.

Revvity Omics, Revvity
Classification: Uncertain significance for Anemia, congenital dyserythropoietic, type 1a. Last evaluated: 2024-06-14. Review status: criteria provided, single submitter. Criteria: ACMG Guidelines, 2015. Collection method: clinical testing. Allele origin: germline.

Labcorp Genetics (formerly Invitae), Labcorp
Classification: Uncertain significance. Last evaluated: 2024-02-20. Review status: criteria provided, single submitter. Criteria: Invitae Variant Classification Sherloc (09022015). Collection method: clinical testing. Allele origin: germline.
Comment: This sequence change replaces glutamic acid, which is acidic and polar, with lysine, which is basic and polar, at codon 1202 of the CDAN1 protein (p.Glu1202Lys). This variant is present in population databases (rs368759902, gnomAD 0.01%). This variant has not been reported in the literature in individuals affected with CDAN1-related conditions. An algorithm developed to predict the effect of missense changes on protein structure and function (PolyPhen-2) suggests that this variant is likely to be disruptive. In summary, the available evidence is currently insufficient to determine the role of this variant in disease. Therefore, it has been classified as a Variant of Uncertain Significance.